The following is an entry in ClinVar:

NM_053025.4(MYLK):c.3733G>A (p.Glu1245Lys)

Gene: MYLK (myosin light chain kinase; minus strand). Cytogenetic location: 3q21.1.
Variant type: single nucleotide variant.
Coding change: c.3733G>A on transcript NM_053025.4 (MANE Select); coding-DNA position 3733, G replaced by A.
Protein change: p.Glu1245Lys; replaces glutamic acid 1245 with lysine.
Molecular consequence: missense variant.
Genome position (GRCh38, 1-based): chr3:123,666,317, C>T on the plus strand (G>A on the coding strand, the complement: MYLK is on the minus strand). VCF-style: chr3-123666317-C-T. GRCh37 (hg19) VCF-style: chr3-123385164-C-T.
Other names: c.3205G>A, p.Glu1069Lys (NM_001321309.2); c.3526G>A, p.Glu1176Lys (NM_053026.4, NM_053028.4); c.3733G>A, p.Glu1245Lys (NM_053027.4); short protein forms E1245K, E1069K, E1176K.
Identifiers: ClinVar variation 4827351 (VCV004827351.1).

ClinVar aggregate classification (germline): Uncertain significance (1 of 4 stars; one submission).

Conditions:
Familial thoracic aortic aneurysm and aortic dissection (TAAD). Also called: Thoracic aortic aneurysms and dissections. Identifiers: Orphanet 91387, MedGen C4707243, MONDO:0019625.

gnomAD v4.1: 4 of 1,614,210 alleles (0.00025%); highest among the groups gnomAD compares: Non-Finnish European, 0.00025%; no homozygotes.

Submission:

Ambry Genetics
Classification: Uncertain significance for Familial thoracic aortic aneurysm and aortic dissection. Last evaluated: 2026-03-01. Review status: criteria provided, single submitter. Criteria: Ambry Variant Classification Scheme 2023. Collection method: clinical testing. Allele origin: germline.
Comment: The p.E1245K variant (also known as c.3733G>A), located in coding exon 19 of the MYLK gene, results from a G to A substitution at nucleotide position 3733. The glutamic acid at codon 1245 is replaced by lysine, an amino acid with similar properties. This amino acid position is conserved. In addition, the in silico prediction for this alteration is inconclusive. Based on the available evidence, the clinical significance of this variant remains unclear.